The following is an entry in ClinVar:

ClinVar aggregate classification (germline): Benign/Likely benign. Review status: criteria provided, multiple submitters, no conflicts (2 of 4 stars). 3 submissions from 3 submitters: Benign (2); Likely benign (1). Last evaluated 2025-11-06.

Conditions:
Primary ciliary dyskinesia. Also called: Ciliary dyskinesia. Identifiers: Orphanet 244, MedGen C0008780, MONDO:0016575, HP:0012265.

Allele frequency attached by ClinVar (database versions not stated): TOPMed 0.00003; gnomAD exomes 0.00024 and 0.00054; ExAC 0.00067; 1000 Genomes Project 0.00100; 1000 Genomes Project 30x 0.00156.
gnomAD v4.1: 386 of 1,613,092 alleles (0.024%); highest among the groups gnomAD compares: South Asian, 0.39%; 6 homozygotes.

Submissions (3):

Labcorp Genetics (formerly Invitae), Labcorp
Classification: Benign for Primary ciliary dyskinesia. Last evaluated: 2025-11-06. Review status: criteria provided, single submitter. Criteria: Invitae Variant Classification Sherloc (09022015). Collection method: clinical testing. Allele origin: germline.

CeGaT Center for Human Genetics Tuebingen
Classification: Likely benign. Last evaluated: 2025-10-01. Review status: criteria provided, single submitter. Criteria: CeGaT Center For Human Genetics Tuebingen Variant Classification Criteria Version 2. Collection method: clinical testing. Allele origin: germline. Affected: yes. Observed: 2 variant alleles.
Comment: DNAH11: BS2

Ambry Genetics
Classification: Benign for Primary ciliary dyskinesia. Last evaluated: 2025-07-21. Review status: criteria provided, single submitter. Criteria: Ambry Variant Classification Scheme 2023. Collection method: clinical testing. Allele origin: germline.

NM_001277115.2(DNAH11):c.9497A>G (p.Gln3166Arg)

Gene: DNAH11 (dynein axonemal heavy chain 11; plus strand). Cytogenetic location: 7p15.3.
Variant type: single nucleotide variant.
Coding change: c.9497A>G on transcript NM_001277115.2 (MANE Select); coding-DNA position 9497, A replaced by G.
Protein change: p.Gln3166Arg; replaces glutamine 3166 with arginine.
Molecular consequence: missense variant.
Genome position (GRCh38, 1-based): chr7:21,784,440, A>G. VCF-style: chr7-21784440-A-G. GRCh37 (hg19) VCF-style: chr7-21824058-A-G.
Other names: c.9497A>G (NM_001277115.1); short protein forms Q3166R.
Identifiers: ClinVar variation 1167505 (VCV001167505.18), dbSNP rs562875579, ClinGen allele CA4182011.